The following is an entry in ClinVar:

NM_000038.6(APC):c.4385dup (p.Arg1463fs)

Gene: APC (APC regulator of Wnt signaling pathway; plus strand). Cytogenetic location: 5q22.2.
Variant type: Duplication.
Coding change: c.4385dup on transcript NM_000038.6 (MANE Select); coding-DNA position 4385, one base duplicated (A; older notation c.4385dupA).
Protein change: p.Arg1463fs; shifts the reading frame from arginine 1463.
Molecular consequence: frameshift variant. On other transcripts: non-coding transcript variant (2).
Genome position (GRCh38, 1-based): chr5:112,839,979, A duplicated; the last of 4 consecutive A bases (chr5:112,839,976-112,839,979); duplicating any one gives the same sequence. VCF-style (leftmost placement, unchanged base first): chr5-112839975-G-GA. GRCh37 (hg19) VCF-style: chr5-112175672-G-GA.
Other names: c.4385dupA (NM_000038.6); c.4385dup, p.Arg1463fs (NM_001127510.3, NM_001354895.2, NM_001407450.1); c.4208dup, p.Arg1404fs (NM_001354901.2, NM_001407453.1); c.4112dup, p.Arg1372fs (NM_001354902.2); c.4082dup, p.Arg1362fs (NM_001354903.2, NM_001407458.1, NM_001407459.1 and 1 more transcripts); c.4007dup, p.Arg1337fs (NM_001354904.2); c.3905dup, p.Arg1303fs (NM_001354905.2); c.3536dup, p.Arg1180fs (NM_001354906.2, NM_001407470.1); and 12 more; short protein forms R1079fs, R1180fs, R1303fs, R1334fs, R1337fs, R1362fs, R1372fs, R1380fs.
Identifiers: ClinVar variation 4077024 (VCV004077024.1).
Genomic context (GRCh38, chr5:112,839,975, plus strand): 5'-CCACCTCCTCAAACAGCTCAAACCAAGCGAGAAGTACCTAAAAATAAAGCACCTACTGCT[G>GA]AAAAGAGAGAGAGTGGACCTAAGCAAGCTGCAGTAAATGCTGCAGTTCAGAGGGTCCAGG-3'

ClinVar aggregate classification (germline): Likely pathogenic (1 of 4 stars; one submission).

Conditions:
Hereditary cancer-predisposing syndrome. Also called: Tumor predisposition; Neoplastic Syndromes, Hereditary; Hereditary neoplastic syndrome; Hereditary Cancer Syndrome. Identifiers: Orphanet 140162, MedGen C0027672, MeSH D009386, MONDO:0015356.

Submission:

GeneKor MSA
Classification: Likely pathogenic for Hereditary cancer-predisposing syndrome. Last evaluated: 2025-06-25. Review status: criteria provided, single submitter. Criteria: ACMG Guidelines, 2015. Collection method: clinical testing. Allele origin: germline.
Comment: This mutation is an insertion of one nucleotide (adenine), resulting in a frameshift and the creation of a novel translational termination codon after 6 amino acid residues. The protein product thus produced is truncated and non-functional. This variant is not present in population databases. ClinVar contains entries of a different mutation, c.4385_4386AG, p.(Ser1465fs), which is considered to be pathogenic, affecting the same nucleotide position and resulting, as well, in a frameshift and the creation of a novel translational termination codon and thus a truncated and non-functional protein. For these reasons, this variant is classified as likely pathogenic.